The following is an entry in ClinVar:

ClinVar aggregate classification (germline): Uncertain significance. Review status: criteria provided, multiple submitters, no conflicts (2 of 4 stars). 2 submissions from 2 submitters: Uncertain significance (2). Last evaluated 2025-10-26.

Conditions:
Aicardi-Goutieres syndrome 7 (AGS7). Identifiers: Orphanet 51, MedGen C3888244, MONDO:0014367, OMIM 615846.
Singleton-Merten syndrome 1 (SGMRT1). Also called: Widened medullary cavities of bone, aortic calcification, abnormal dentition, and muscular weakness; Syndrome of widened medullary cavities of the metacarpals and phalanges, aortic calcification and abnormal dentition. Identifiers: Orphanet 85191, MedGen C4225427, MONDO:0024535, OMIM 182250.

Allele frequency attached by ClinVar (database versions not stated): TOPMed below 0.00001; gnomAD 0.00001; gnomAD exomes 0.00001.
gnomAD v4.1: 10 of 1,607,434 alleles (0.00062%); highest among the groups gnomAD compares: Non-Finnish European, 0.00085%; no homozygotes.

Submissions (2):

Labcorp Genetics (formerly Invitae), Labcorp
Classification: Uncertain significance for Aicardi-Goutieres syndrome 7; Singleton-Merten syndrome 1. Last evaluated: 2025-10-26. Review status: criteria provided, single submitter. Criteria: Invitae Variant Classification Sherloc (09022015). Collection method: clinical testing. Allele origin: germline.
Comment: This sequence change replaces valine, which is neutral and non-polar, with phenylalanine, which is neutral and non-polar, at codon 432 of the IFIH1 protein (p.Val432Phe). This variant is present in population databases (no rsID available, gnomAD 0.007%). This variant has not been reported in the literature in individuals affected with IFIH1-related conditions. This missense change has been observed in at least one individual who was not affected with IFIH1-related conditions (internal data). ClinVar contains an entry for this variant (Variation ID: 1358783). Invitae Evidence Modeling of protein sequence and biophysical properties (such as structural, functional, and spatial information, amino acid conservation, physicochemical variation, residue mobility, and thermodynamic stability) has been performed for this missense variant. However, the output from this modeling did not meet the statistical confidence thresholds required to predict the impact of this variant on IFIH1 protein function. In summary, the available evidence is currently insufficient to determine the role of this variant in disease. Therefore, it has been classified as a Variant of Uncertain Significance.

GeneDx
Classification: Uncertain significance. Last evaluated: 2022-01-29. Review status: criteria provided, single submitter. Criteria: GeneDx Variant Classification Process June 2021. Collection method: clinical testing. Allele origin: germline. Affected: yes.
Comment: Not observed at significant frequency in large population cohorts (gnomAD); In silico analysis supports that this missense variant has a deleterious effect on protein structure/function; Has not been previously published as pathogenic or benign to our knowledge

NM_022168.4(IFIH1):c.1294G>T (p.Val432Phe)

Gene: IFIH1 (interferon induced with helicase C domain 1; minus strand). Cytogenetic location: 2q24.2.
Variant type: single nucleotide variant.
Coding change: c.1294G>T on transcript NM_022168.4 (MANE Select); coding-DNA position 1294, G replaced by T.
Protein change: p.Val432Phe; replaces valine 432 with phenylalanine.
Molecular consequence: missense variant.
Genome position (GRCh38, 1-based): chr2:162,282,378, C>A on the plus strand (G>T on the coding strand, the complement: IFIH1 is on the minus strand). VCF-style: chr2-162282378-C-A. GRCh37 (hg19) VCF-style: chr2-163138888-C-A.
Other names: short protein forms V432F.
Identifiers: ClinVar variation 1358783 (VCV001358783.7), dbSNP rs1353805115, ClinGen allele CA349002664.